The following is an entry in ClinVar:

NM_000059.4(BRCA2):c.5867A>T (p.Asp1956Val)

Gene: BRCA2 (BRCA2 DNA repair associated; plus strand). Cytogenetic location: 13q13.1.
Variant type: single nucleotide variant.
Coding change: c.5867A>T on transcript NM_000059.4 (MANE Select); coding-DNA position 5867, A replaced by T.
Protein change: p.Asp1956Val; replaces aspartic acid 1956 with valine.
Molecular consequence: missense variant.
Genome position (GRCh38, 1-based): chr13:32,340,222, A>T. VCF-style: chr13-32340222-A-T. GRCh37 (hg19) VCF-style: chr13-32914359-A-T.
Other names: short protein forms D1956V.
Identifiers: ClinVar variation 483068 (VCV000483068.23), dbSNP rs1309562690, ClinGen allele CA387787428.
Genomic context (GRCh38, chr13:32,340,222, plus strand): 5'-TGTCTGGATTGGAGAAAGTTTCTAAAATATCACCTTGTGATGTTAGTTTGGAAACTTCAG[A>T]TATATGTAAATGTAGTATAGGGAAGCTTCATAAGTCAGTCTCATCTGCAAATACTTGTGG-3'
Protein context (NP_000050.3, residues 1946-1966): SPCDVSLETS[Asp1956Val]ICKCSIGKLH

ClinVar aggregate classification (germline): Conflicting classifications of pathogenicity. Review status: criteria provided, conflicting classifications (1 of 4 stars). 6 submissions from 6 submitters: Uncertain significance (5); Likely benign (1). Last evaluated 2026-01-07.

Conditions:
Hereditary cancer-predisposing syndrome. Also called: Neoplastic Syndromes, Hereditary; Tumor predisposition; Hereditary Cancer Syndrome; Hereditary neoplastic syndrome. Identifiers: Orphanet 140162, MedGen C0027672, MeSH D009386, MONDO:0015356.
Hereditary breast ovarian cancer syndrome. Also called: Hereditary breast and ovarian cancer syndrome; Hereditary breast and ovarian cancer; Hereditary breast and ovarian cancer syndrome (HBOC); Breast and ovarian cancer; Hereditary breast and/or ovarian cancer syndrome; BRCA1- and BRCA2-Associated Hereditary Breast and Ovarian Cancer. Identifiers: Orphanet 145, MedGen C0677776, MeSH D061325, MONDO:0003582. Disease mechanism: loss of function.

Allele frequency attached by ClinVar (database versions not stated): TOPMed below 0.00001.
gnomAD v4.1: 1 of 1,614,002 alleles (0.000062%); highest among the groups gnomAD compares: Non-Finnish European, 0.000085%; no homozygotes.

Submissions (6):

Labcorp Genetics (formerly Invitae), Labcorp
Classification: Uncertain significance for Hereditary breast ovarian cancer syndrome. Last evaluated: 2026-01-07. Review status: criteria provided, single submitter. Criteria: Invitae Variant Classification Sherloc (09022015). Collection method: clinical testing. Allele origin: germline.
Comment: This sequence change replaces aspartic acid, which is acidic and polar, with valine, which is neutral and non-polar, at codon 1956 of the BRCA2 protein (p.Asp1956Val). This variant is not present in population databases (gnomAD no frequency). This missense change has been observed in individual(s) with breast cancer (PMID: 32438681). ClinVar contains an entry for this variant (Variation ID: 483068). Invitae Evidence Modeling of protein sequence and biophysical properties (such as structural, functional, and spatial information, amino acid conservation, physicochemical variation, residue mobility, and thermodynamic stability) indicates that this missense variant is not expected to disrupt BRCA2 protein function with a negative predictive value of 95%. In summary, the available evidence is currently insufficient to determine the role of this variant in disease. Therefore, it has been classified as a Variant of Uncertain Significance.

Color Diagnostics, LLC DBA Color Health
Classification: Uncertain significance for Hereditary cancer-predisposing syndrome. Last evaluated: 2025-09-04. Review status: criteria provided, single submitter. Criteria: ACMG Guidelines, 2015. Collection method: clinical testing. Allele origin: germline.
Comment: This missense variant replaces aspartic acid with valine at codon 1956 of the BRCA2 protein. Computational prediction suggests that this variant may not impact protein structure and function. To our knowledge, functional studies have not been reported for this variant. This variant has been reported in an individual affected with breast cancer (PMID: 32438681). This variant has not been identified in the general population by the Genome Aggregation Database (gnomAD). The available evidence is insufficient to determine the role of this variant in disease conclusively. Therefore, this variant is classified as a Variant of Uncertain Significance.

Ambry Genetics
Classification: Uncertain significance for Hereditary cancer-predisposing syndrome. Last evaluated: 2024-03-26. Review status: criteria provided, single submitter. Criteria: Ambry Variant Classification Scheme 2023. Collection method: clinical testing. Allele origin: germline.
Comment: The p.D1956V variant (also known as c.5867A>T), located in coding exon 10 of the BRCA2 gene, results from an A to T substitution at nucleotide position 5867. The aspartic acid at codon 1956 is replaced by valine, an amino acid with highly dissimilar properties. This amino acid position is not well conserved in available vertebrate species. In addition, this alteration is predicted to be tolerated by in silico analysis. Based on the available evidence, the clinical significance of this alteration remains unclear.

University of Washington Department of Laboratory Medicine, University of Washington
Classification: Likely benign for Hereditary cancer-predisposing syndrome. Last evaluated: 2023-03-23. Review status: criteria provided, single submitter. Criteria: Dines et al. (Genet Med. 2020). Collection method: curation. Allele origin: germline.
Comment: Missense variant in a coldspot region where missense variants are very unlikely to be pathogenic (PMID:31911673).

BRCA2 exon 11 coldspot. Reclassification based on statistical prior probability.

Sema4
Classification: Uncertain significance for Hereditary cancer-predisposing syndrome. Last evaluated: 2021-06-16. Review status: criteria provided, single submitter. Criteria: Sema4 Curation Guidelines. Collection method: curation. Allele origin: germline.
Comment: The BRCA2 c.5867A>T (p.D1956V) variant has been reported in at least one individual breast cancer (PMID: 32438681). It was not observed in the large and broad cohorts of the Genome Aggregation Database (PMID: 32461654). The variant has been reported in ClinVar (Variation ID 483068). In silico tools suggest the impact of the variant on protein function is inconclusive though these predictions have not been confirmed by functional studies. The evidence is insufficient to meet ACMG/AMP criteria for classifying the variant as benign or pathogenic. Thus, the clinical significance of this variant is currently uncertain.

GeneDx
Classification: Uncertain significance. Last evaluated: 2019-08-12. Review status: criteria provided, single submitter. Criteria: GeneDx Variant Classification Process June 2021. Collection method: clinical testing. Allele origin: germline. Affected: yes.
Comment: Not observed in large population cohorts (Lek 2016); In silico analysis, which includes protein predictors and evolutionary conservation, supports a deleterious effect; Has not been previously published as pathogenic or benign to our knowledge; Also known as BRCA2 6095A>T

Literature cited by the submitters: PubMed 32438681 (cited by 3 submitters).